The following is an entry in ClinVar:

NM_001377.3(DYNC2H1):c.1540C>T (p.Arg514Ter)

Gene: DYNC2H1 (dynein cytoplasmic 2 heavy chain 1; plus strand). Cytogenetic location: 11q22.3.
Variant type: single nucleotide variant.
Coding change: c.1540C>T on transcript NM_001377.3 (MANE Select); coding-DNA position 1540, C replaced by T.
Protein change: p.Arg514Ter; replaces arginine 514 with a stop codon.
Molecular consequence: nonsense.
Genome position (GRCh38, 1-based): chr11:103,122,879, C>T. VCF-style: chr11-103122879-C-T. GRCh37 (hg19) VCF-style: chr11-102993608-C-T.
Other names: c.1540C>T, p.Arg514Ter (NM_001080463.2); short protein forms R514*.
Identifiers: ClinVar variation 558746 (VCV000558746.14), dbSNP rs1565317399, ClinGen allele CA382253396.

ClinVar aggregate classification (germline): Pathogenic/Likely pathogenic. Review status: criteria provided, multiple submitters, no conflicts (2 of 4 stars). 5 submissions from 5 submitters: Pathogenic (4); Likely pathogenic (1). Last evaluated 2025-08-02.

Conditions:
Asphyxiating thoracic dystrophy 3. Also called: Saldino-Noonan Syndrome; SHORT-RIB THORACIC DYSPLASIA 3 WITH OR WITHOUT POLYDACTYLY; POLYDACTYLY WITH NEONATAL CHONDRODYSTROPHY, TYPE I; SHORT-RIB THORACIC DYSPLASIA 3/6 WITH POLYDACTYLY, DIGENIC; Short rib polydactyly syndrome 2B. Identifiers: Orphanet 474, Orphanet 93269, Orphanet 93270, Orphanet 93271, MedGen C0036069, MONDO:0013127, OMIM 613091.
Jeune thoracic dystrophy. Also called: Jeune syndrome; Short-rib thoracic dysplasia; Infantile thoracic dystrophy; Thoracic pelvic phalangeal dystrophy; Jeune's syndrome; Chondroectodermal dysplasia-like syndrome. Identifiers: Orphanet 474, MedGen C0265275, MONDO:0018770.

Allele frequency attached by ClinVar (database versions not stated): gnomAD exomes 0.00001.
gnomAD v4.1: 8 of 1,613,114 alleles (0.0005%); highest among the groups gnomAD compares: African/African-American, 0.0013%; no homozygotes.

Submissions (5):

Myriad Genetics, Inc.
Classification: Pathogenic for Asphyxiating thoracic dystrophy 3. Last evaluated: 2025-08-02. Review status: criteria provided, single submitter. Criteria: Myriad Autosomal Dominant, Autosomal Recessive and X-Linked Classification Criteria (2023). Collection method: clinical testing. Allele origin: unknown.
Comment: NM_001377.2(DYNC2H1):c.1540C>T(R514*) is expected to be pathogenic in the context of DYNC2H1-related disorders. This variant is predicted to lead to an abnormal or absent protein product due to the creation of a premature termination codon in DYNC2H1, a gene where loss-of-function variants are known to be pathogenic. Please note: this variant was assessed in the context of healthy population screening.

Fulgent Genetics
Classification: Likely pathogenic for Asphyxiating thoracic dystrophy 3. Last evaluated: 2024-04-09. Review status: criteria provided, single submitter. Criteria: ACMG Guidelines, 2015. Collection method: clinical testing. Allele origin: germline.

Labcorp Genetics (formerly Invitae), Labcorp
Classification: Pathogenic for Jeune thoracic dystrophy. Last evaluated: 2022-12-16. Review status: criteria provided, single submitter. Criteria: Invitae Variant Classification Sherloc (09022015). Collection method: clinical testing. Allele origin: germline.
Comment: This sequence change creates a premature translational stop signal (p.Arg514*) in the DYNC2H1 gene. It is expected to result in an absent or disrupted protein product. Loss-of-function variants in DYNC2H1 are known to be pathogenic (PMID: 23339108, 32753734). This variant is not present in population databases (gnomAD no frequency). This variant has not been reported in the literature in individuals affected with DYNC2H1-related conditions. ClinVar contains an entry for this variant (Variation ID: 558746). For these reasons, this variant has been classified as Pathogenic.

Rare Disease Group, Clinical Genetics, Karolinska Institutet
Classification: Pathogenic for Jeune thoracic dystrophy. Last evaluated: 2018-05-01. Review status: criteria provided, single submitter. Criteria: ACMG Guidelines, 2015. Collection method: research. Allele origin: paternal. Inheritance: Autosomal recessive inheritance. Affected: yes.

Clinical Genetics and Genomics, Karolinska University Hospital
Classification: Pathogenic. Last evaluated: 2014-12-04. Review status: criteria provided, single submitter. Criteria: ACMG Guidelines, 2015. Collection method: clinical testing. Allele origin: germline. Affected: yes. Observed: 2 variant alleles.

Literature cited by the submitters: PubMed 23339108 (cited by Labcorp Genetics (formerly Invitae), Labcorp); PubMed 32753734 (cited by Labcorp Genetics (formerly Invitae), Labcorp).